The following is an entry in ClinVar:

ClinVar aggregate classification (germline): Conflicting classifications of pathogenicity. Review status: criteria provided, conflicting classifications (1 of 4 stars). 5 submissions from 5 submitters: Uncertain significance (2); Likely benign (3). Last evaluated 2026-09-03.

Conditions:
Congenital stationary night blindness 1D. Also called: Night blindness, congenital stationary (complete), 1D, autosomal recessive. Identifiers: Orphanet 215, MedGen C3151193, MONDO:0013450, OMIM 613830.
SLC24A1-related disorder. Also called: SLC24A1-related condition.

Allele frequency attached by ClinVar (database versions not stated): gnomAD 0.00027 and 0.00024; ExAC 0.00013; gnomAD exomes 0.00013 and 0.00023; ESP Exome Variant Server 0.00016; TOPMed 0.00019.
gnomAD v4.1: 367 of 1,607,122 alleles (0.023%); highest among the groups gnomAD compares: Middle Eastern, 0.066%; 1 homozygote.

Submissions (5):

PreventionGenetics, part of Exact Sciences
Classification: Uncertain significance for SLC24A1-related condition. Last evaluated: 2026-09-03. Review status: criteria provided, single submitter. Criteria: ACMG Guidelines, 2015. Collection method: clinical testing. Allele origin: germline.

CeGaT Center for Human Genetics Tuebingen
Classification: Likely benign. Last evaluated: 2025-06-01. Review status: criteria provided, single submitter. Criteria: CeGaT Center For Human Genetics Tuebingen Variant Classification Criteria Version 2. Collection method: clinical testing. Allele origin: germline. Affected: yes. Observed: 2 variant alleles.
Comment: SLC24A1: BP4

Labcorp Genetics (formerly Invitae), Labcorp
Classification: Likely benign. Last evaluated: 2025-04-09. Review status: criteria provided, single submitter. Criteria: Invitae Variant Classification Sherloc (09022015). Collection method: clinical testing. Allele origin: germline.

Blueprint Genetics
Classification: Likely benign. Last evaluated: 2024-10-03. Review status: criteria provided, single submitter. Criteria: ACMG Guidelines, 2015. Collection method: clinical testing. Allele origin: germline.

Illumina Laboratory Services, Illumina
Classification: Uncertain significance for Congenital stationary night blindness 1D. Last evaluated: 2017-04-27. Review status: criteria provided, single submitter. Criteria: ICSL Variant Classification Criteria 13 December 2019. Collection method: clinical testing. Allele origin: germline.

NM_004727.3(SLC24A1):c.1891-6T>C

Gene: SLC24A1 (solute carrier family 24 member 1; plus strand). Cytogenetic location: 15q22.31.
Variant type: single nucleotide variant.
Coding change: c.1891-6T>C on transcript NM_004727.3 (MANE Select); 6 bases into the intron before coding-DNA position 1891, T replaced by C.
Molecular consequence: intron variant.
Genome position (GRCh38, 1-based): chr15:65,638,122, T>C. VCF-style: chr15-65638122-T-C. GRCh37 (hg19) VCF-style: chr15-65930460-T-C.
Other names: c.1891-1473T>C (NM_001301033.2, NM_001301032.1); c.1891-6T>C (NM_001301031.1).
Identifiers: ClinVar variation 887709 (VCV000887709.37), dbSNP rs372058206, ClinGen allele CA7620003.